The following is an entry in ClinVar:

ClinVar aggregate classification (germline): Uncertain significance (1 of 4 stars; one submission).

Allele frequency attached by ClinVar (database versions not stated): gnomAD exomes below 0.00001.

Submission:

Labcorp Genetics (formerly Invitae), Labcorp
Classification: Uncertain significance. Last evaluated: 2023-04-14. Review status: criteria provided, single submitter. Criteria: Invitae Variant Classification Sherloc (09022015). Collection method: clinical testing. Allele origin: germline.
Comment: Experimental studies and prediction algorithms are not available or were not evaluated, and the functional significance of this variant is currently unknown. In summary, the available evidence is currently insufficient to determine the role of this variant in disease. Therefore, it has been classified as a Variant of Uncertain Significance. This variant has not been reported in the literature in individuals affected with COL4A1-related conditions. This sequence change replaces methionine, which is neutral and non-polar, with isoleucine, which is neutral and non-polar, at codon 1558 of the COL4A1 protein (p.Met1558Ile). This variant is not present in population databases (gnomAD no frequency).

NM_001845.6(COL4A1):c.4674G>A (p.Met1558Ile)

Gene: COL4A1 (collagen type IV alpha 1 chain; minus strand). Cytogenetic location: 13q34.
Variant type: single nucleotide variant.
Coding change: c.4674G>A on transcript NM_001845.6 (MANE Select); coding-DNA position 4674, G replaced by A.
Protein change: p.Met1558Ile; replaces methionine 1558 with isoleucine.
Molecular consequence: missense variant.
Genome position (GRCh38, 1-based): chr13:110,155,364, C>T on the plus strand (G>A on the coding strand, the complement: COL4A1 is on the minus strand). VCF-style: chr13-110155364-C-T. GRCh37 (hg19) VCF-style: chr13-110807711-C-T.
Other names: short protein forms M1558I.
Identifiers: ClinVar variation 2856247 (VCV002856247.3), dbSNP rs2501723017, ClinGen allele CA388655764.
Genomic context (GRCh38, chr13:110,155,364, plus strand): 5'-CCACAGCGAGGACCACCCGCTGGGGCACGGTGGGATCTGAATGGTCTGGCTGTGCACGGC[C>T]ATCACCATGGCAGGCGCCTCACACACAGCACACCTGGAAGTGGAGCAGAGACACTCAGCA-3'
Protein context (NP_001836.3, residues 1548-1568): CAVCEAPAMV[Met1558Ile]AVHSQTIQIP